The following is an entry in ClinVar:

ClinVar aggregate classification (germline): Uncertain significance (1 of 4 stars; one submission).

gnomAD v4.1: 8 of 1,613,600 alleles (0.0005%); highest among the groups gnomAD compares: Non-Finnish European, 0.00068%; no homozygotes.

Submission:

Labcorp Genetics (formerly Invitae), Labcorp
Classification: Uncertain significance. Last evaluated: 2024-06-01. Review status: criteria provided, single submitter. Criteria: Invitae Variant Classification Sherloc (09022015). Collection method: clinical testing. Allele origin: germline.
Comment: This sequence change replaces aspartic acid, which is acidic and polar, with valine, which is neutral and non-polar, at codon 4 of the IKZF1 protein (p.Asp4Val). This variant is not present in population databases (gnomAD no frequency). This variant has not been reported in the literature in individuals affected with IKZF1-related conditions. An algorithm developed to predict the effect of missense changes on protein structure and function (PolyPhen-2) suggests that this variant is likely to be disruptive. In summary, the available evidence is currently insufficient to determine the role of this variant in disease. Therefore, it has been classified as a Variant of Uncertain Significance.

NM_006060.6(IKZF1):c.11A>T (p.Asp4Val)

Gene: IKZF1 (IKAROS family zinc finger 1; plus strand). Cytogenetic location: 7p12.2.
Variant type: single nucleotide variant.
Coding change: c.11A>T on transcript NM_006060.6 (MANE Select); coding-DNA position 11, A replaced by T.
Protein change: p.Asp4Val; replaces aspartic acid 4 with valine.
Molecular consequence: missense variant.
Genome position (GRCh38, 1-based): chr7:50,319,072, A>T. VCF-style: chr7-50319072-A-T. GRCh37 (hg19) VCF-style: chr7-50358668-A-T.
Other names: c.11A>T, p.Asp4Val (NM_001220765.3, NM_001220767.2, NM_001220768.2 and 14 more transcripts); short protein forms D4V.
Identifiers: ClinVar variation 3683130 (VCV003683130.2).
Genomic context (GRCh38, chr7:50,319,072, plus strand): 5'-TTGCTTTAAACTAAAATCCCTTCCTCTCTTTCTCAGATAACCTGAGGACCATGGATGCTG[A>T]TGAGGGTCAAGACATGTCCCAAGTTTCAGGTGAGACCTTATGAGATAGCTGTGTGGGAAG-3'
Protein context (NP_006051.1, residues 1-14): MDA[Asp4Val]EGQDMSQVSG